The following is an entry in ClinVar:

NM_001367949.2(FAT3):c.9753T>C (p.Pro3251=)

Gene: FAT3 (FAT atypical cadherin 3; plus strand). Cytogenetic location: 11q14.3.
Variant type: single nucleotide variant.
Coding change: c.9753T>C on transcript NM_001367949.2 (MANE Select); coding-DNA position 9753, T replaced by C.
Protein change: p.Pro3251=; no amino-acid change (proline 3251 retained).
Molecular consequence: synonymous variant.
Genome position (GRCh38, 1-based): chr11:92,831,893, T>C. VCF-style: chr11-92831893-T-C. GRCh37 (hg19) VCF-style: chr11-92565059-T-C.
Other names: c.9753T>C, p.Pro3251= (NM_001008781.3).
Identifiers: ClinVar variation 2642279 (VCV002642279.24), dbSNP rs371901060, ClinGen allele CA6227906.

ClinVar aggregate classification (germline): Likely benign (1 of 4 stars; one submission).

Allele frequency attached by ClinVar (database versions not stated): ESP Exome Variant Server 0.00008; gnomAD exomes 0.00009; TOPMed 0.00006; gnomAD 0.00011; ExAC 0.00018.
gnomAD v4.1: 145 of 1,612,492 alleles (0.009%); highest among the groups gnomAD compares: Non-Finnish European, 0.011%; no homozygotes.

Submission:

CeGaT Center for Human Genetics Tuebingen
Classification: Likely benign. Last evaluated: 2022-03-01. Review status: criteria provided, single submitter. Criteria: CeGaT Center For Human Genetics Tuebingen Variant Classification Criteria Version 2. Collection method: clinical testing. Allele origin: germline. Affected: yes. Observed: 1 variant allele.
Comment: FAT3: BP4, BP7